The following is an entry in ClinVar:

NM_001854.4(COL11A1):c.898-186del

Gene: COL11A1 (collagen type XI alpha 1 chain; minus strand). Cytogenetic location: 1p21.1.
Variant type: Deletion.
Coding change: c.898-186del on transcript NM_001854.4 (MANE Select); 186 bases into the intron before coding-DNA position 898, one base deleted (G; older notation c.898-186delG).
Molecular consequence: intron variant. On other transcripts: splice donor variant (1).
Genome position (GRCh38, 1-based): chr1:103,025,799, C deleted on the plus strand (G on the coding strand, the reverse complement: COL11A1 is on the minus strand); the first of 2 consecutive C bases (chr1:103,025,799-103,025,800); deleting either gives the same sequence. VCF-style (leftmost placement, unchanged base first): chr1-103025798-AC-A. GRCh37 (hg19) VCF-style: chr1-103491354-AC-A.
Other names: c.781-186del (NM_001190709.2); c.933+1del (NM_080629.3); c.897+417del (NM_080630.4).
Identifiers: ClinVar variation 1311818 (VCV001311818.4), dbSNP rs2101962817, ClinGen allele CA2573051329.

ClinVar aggregate classification (germline): Conflicting classifications of pathogenicity. Review status: criteria provided, conflicting classifications (1 of 4 stars). 2 submissions from 2 submitters: Likely pathogenic (1); Uncertain significance (1). Last evaluated 2024-05-09.

Conditions:
Stickler syndrome type 2 (STL2). Also called: STICKLER SYNDROME, BEADED VITREOUS TYPE; STICKLER SYNDROME, VITREOUS TYPE 2; STICKLER SYNDROME, TYPE II; COL11A1-Related Stickler Syndrome. Identifiers: Orphanet 828, Orphanet 90654, MedGen C1858084, MONDO:0011493, OMIM 604841.

Submissions (2):

Miami Human Genetics, University Of Miami Miller School Of Medicine
Classification: Likely pathogenic for Stickler syndrome type 2. Last evaluated: 2024-05-09. Review status: criteria provided, single submitter. Criteria: ACMG Guidelines, 2015. Collection method: research. Allele origin: unknown. Inheritance: Autosomal dominant inheritance. Affected: yes. Observed: 1 heterozygote.

GeneDx
Classification: Uncertain significance. Last evaluated: 2019-12-30. Review status: criteria provided, single submitter. Criteria: GeneDx Variant Classification Process June 2021. Collection method: clinical testing. Allele origin: germline. Affected: yes.
Comment: Not observed in large population cohorts (Lek et al., 2016); Canonical splice site variant predicted to result in an in-frame deletion of exon 6; Has not been previously published as pathogenic or benign to our knowledge